The following is an entry in ClinVar:

NM_177531.6(PKHD1L1):c.163+5C>T

Gene: PKHD1L1 (PKHD1 like 1; plus strand). Cytogenetic location: 8q23.1.
Variant type: single nucleotide variant.
Coding change: c.163+5C>T on transcript NM_177531.6 (MANE Select); 5 bases into the intron after coding-DNA position 163, C replaced by T.
Molecular consequence: intron variant.
Genome position (GRCh38, 1-based): chr8:109,364,641, C>T. VCF-style: chr8-109364641-C-T. GRCh37 (hg19) VCF-style: chr8-110376870-C-T.
Identifiers: ClinVar variation 4872849 (VCV004872849.2).

ClinVar aggregate classification (germline): Uncertain significance (1 of 4 stars; one submission).

gnomAD v4.1: 54 of 1,224,992 alleles (0.0044%); highest among the groups gnomAD compares: Middle Eastern, 0.022%; no homozygotes.

Submission:

CeGaT Center for Human Genetics Tuebingen
Classification: Uncertain significance. Last evaluated: 2026-06-01. Review status: criteria provided, single submitter. Criteria: CeGaT Center For Human Genetics Tuebingen Variant Classification Criteria Version 2. Collection method: clinical testing. Allele origin: germline. Affected: yes. Observed: 1 variant allele.
Comment: PKHD1L1: PM2, BP4